The following is an entry in ClinVar:

NM_000256.3(MYBPC3):c.3742_3759dup (p.Gly1248_Cys1253dup)

Gene: MYBPC3 (myosin binding protein C3; minus strand). Cytogenetic location: 11p11.2.
Variant type: Duplication.
Coding change: c.3742_3759dup on transcript NM_000256.3 (MANE Select); coding-DNA positions 3742 to 3759, 18 bases duplicated (GGGGGCATCTATGTCTGC).
Protein change: p.Gly1248_Cys1253dup.
Molecular consequence: inframe insertion.
Genome position (GRCh38, 1-based): chr11:47,332,127-47,332,144, GCAGACATAGATGCCCCC duplicated on the plus strand (GGGGGCATCTATGTCTGC on the coding strand, the reverse complement: MYBPC3 is on the minus strand); duplicating any 18 consecutive bases within chr11:47,332,127-47,332,145 gives the same sequence; the c. name uses the placement nearest the transcript's 3' end. VCF-style (leftmost placement, unchanged base first): chr11-47332126-T-TGCAGACATAGATGCCCCC. GRCh37 (hg19) VCF-style: chr11-47353677-T-TGCAGACATAGATGCCCCC.
Other names: c.3742_3759dupGGGGGCATCTATGTCTGC (NM_000256.3); c.3742_3759dup18 (NM_000256.3).
Identifiers: ClinVar variation 8603 (VCV000008603.48), dbSNP rs193922384, ClinGen allele CA014796.

ClinVar aggregate classification (germline): Pathogenic/Likely pathogenic. Review status: criteria provided, multiple submitters, no conflicts (2 of 4 stars). 14 submissions from 14 submitters: Pathogenic (12); Likely pathogenic (1). 1 of the submissions does not count toward it. Last evaluated 2026-06-04.

Conditions:
Left ventricular noncompaction 1 (LVNC1). Also called: LEFT VENTRICULAR NONCOMPACTION 1 WITH OR WITHOUT CONGENITAL HEART DEFECTS. Identifiers: Orphanet 54260, MedGen C1858725, MONDO:0011403, OMIM 604169.
Hypertrophic cardiomyopathy 4. Also called: Familial hypertrophic cardiomyopathy 4. Identifiers: MedGen C1861862, MONDO:0007268, OMIM 115197.
Primary dilated cardiomyopathy (DCM). Also called: Dilated Cardiomyopathy. Identifiers: Orphanet 217604, MedGen C0007193, MeSH D002311, MONDO:0005021, HP:0001644. Inheritance: Various modes of inheritance.
MYBPC3-related disorder. Also called: MYBPC3-related disorders; MYBPC3-related condition; MYBPC3-related disease.
Cardiovascular phenotype. Identifiers: MedGen CN230736.
Left ventricular noncompaction 10 (LVNC10). Identifiers: Orphanet 154, Orphanet 54260, MedGen C3715165, MONDO:0014163, OMIM 615396.
Cardiomyopathy (CMYO). Also called: Cardiomyopathies. Identifiers: Orphanet 167848, MedGen C0878544, MONDO:0004994, HP:0001638. Inheritance: Various modes of inheritance.
Primary familial hypertrophic cardiomyopathy (HCM). Identifiers: Orphanet 99739, MedGen C0949658, MeSH D024741, MONDO:0024573. Inheritance: Various modes of inheritance.
Hypertrophic cardiomyopathy. Also called: HYPERTROPHIC MYOCARDIOPATHY. Identifiers: Orphanet 217569, MedGen C0007194, MeSH D002312, MONDO:0005045, HP:0001639.

Submissions 1 to 8 of 14:

PreventionGenetics, part of Exact Sciences
Classification: Pathogenic for MYBPC3-related condition. Last evaluated: 2026-06-04. Review status: criteria provided, single submitter. Criteria: ACMG Guidelines, 2015. Collection method: clinical testing. Allele origin: germline.
Comment: The MYBPC3 c.3742_3759dup18 variant is predicted to result in an in-frame duplication (p.Gly1248_Cys1253dup). This variant has been reported in multiple individuals with hypertrophic cardiomyopathy (Watkins et al. 1995. PubMed ID: 7493025; supplemental material, Ho et al. 2013. PubMed ID: 23549607; Table S1B, Walsh et al. 2016. PubMed ID: 27532257) and in an individual with dilated cardiomyopathy (Zimmerman et al. 2010. PubMed ID: 20474083). Functional studies suggested that this duplication could destabilize protein structure and impact normal protein function (Brown et al. 2002. PubMed ID: 12202917; Helms et al. 2014. PubMed ID: 25031304). This variant has not been reported in a large population database (gnomAD), indicating this variant is rare. This variant is interpreted as pathogenic.

Labcorp Genetics (formerly Invitae), Labcorp
Classification: Pathogenic for Hypertrophic cardiomyopathy. Last evaluated: 2026-01-28. Review status: criteria provided, single submitter. Criteria: Invitae Variant Classification Sherloc (09022015). Collection method: clinical testing. Allele origin: germline.
Comment: This variant, c.3742_3759dup, results in the insertion of 6 amino acid(s) of the MYBPC3 protein (p.Gly1248_Cys1253dup), but otherwise preserves the integrity of the reading frame. This variant is not present in population databases (gnomAD no frequency). This variant has been observed in individual(s) with hypertrophic cardiomyopathy (PMID: 7493025, 20474083, 23549607, 24510615, 27532257). It has also been observed to segregate with disease in related individuals. ClinVar contains an entry for this variant (Variation ID: 8603). Algorithms developed to predict the effect of variants on gene product structure and function are not available or were not evaluated for this variant. Experimental studies have shown that this variant affects MYBPC3 function (PMID: 12202917, 25031304). For these reasons, this variant has been classified as Pathogenic.

Ambry Genetics
Classification: Pathogenic for Cardiovascular phenotype. Last evaluated: 2025-09-12. Review status: criteria provided, single submitter. Criteria: Ambry Variant Classification Scheme 2023. Collection method: clinical testing. Allele origin: germline.
Comment: The c.3742_3759dup18 pathogenic mutation (also known as p.G1248_C1253dup) is located in coding exon 33 of the MYBPC3 gene. This variant results from an in-frame duplication of 18 nucleotides at positions 3742 to 3759. This results in the duplication of six residues between codons 1248 and 1253. This alteration (also referred to as an 18bp tandem duplication of residues 3774-3791 and ins18bp1163) has been detected in multiple individuals reported to have hypertrophic cardiomyopathy and has been reported to segregate with disease in at least one family (Watkins H et al. Nat Genet. 1995;11:434-7; Maron BJ et al. J Am Coll Cardiol. 2001 Aug;38:315-21; Helms AS et al. Circ Cardiovasc Genet. 2014;7:434-43; Kapplinger JD et al. J Cardiovasc Transl Res. 2014;7:347-61). Functional studies performed in vitro and ex vivo suggest that this duplication results in a mislocalized, unstable protein subject to rapid degradation (Helms AS et al. Circ Cardiovasc Genet. 2014;7:434-43; Glazier AA et al. JCI Insight 2018 Jun;3(11)). This variant is considered to be rare based on population cohorts in the Genome Aggregation Database (gnomAD). In addition, this alteration is predicted to be deleterious by in silico analysis (Choi Y et al. PLoS ONE. 2012; 7(10):e46688). Based on the supporting evidence, this alteration is interpreted as a disease-causing mutation.

Color Diagnostics, LLC DBA Color Health
Classification: Pathogenic for Cardiomyopathy. Last evaluated: 2025-07-07. Review status: criteria provided, single submitter. Criteria: ACMG Guidelines, 2015. Collection method: clinical testing. Allele origin: germline.
Comment: This variant (also known as ins18bp1163) duplicates 18 nucleotides in exon 33 of the MYBPC3 gene, which leads to the duplication of 6 amino acid residues in the in the C-terminal Ig-like domain of the MYBPC3 protein. A functional study has shown that the variant affects protein stability (PMID: 25031304). This variant has been reported in over twenty individuals affected with or suspected to be affected with hypertrophic cardiomyopathy (PMID: 7493025, 11499718, 23549607, 24510615, 27532257, 33495597DOI 10.1161/circ.142.suppl_3.15632communication with an external laboratory, ClinVar SCV000203962.4). This variant has been shown to segregate with disease in multiple affected individuals across multiple families (PMID: 7493025communication with an external laboratory, ClinVar SCV000203962.4). This variant has not been identified in the general population by the Genome Aggregation Database (gnomAD). Based on the available evidence, this variant is classified as Pathogenic.

Fulgent Genetics
Classification: Pathogenic for Hypertrophic cardiomyopathy 4; Left ventricular noncompaction 10. Last evaluated: 2024-06-12. Review status: criteria provided, single submitter. Criteria: ACMG Guidelines, 2015. Collection method: clinical testing. Allele origin: germline.

Laboratory for Molecular Medicine, Mass General Brigham Personalized Medicine
Classification: Pathogenic for Hypertrophic cardiomyopathy. Last evaluated: 2024-03-25. Review status: criteria provided, single submitter. Criteria: ACMG Guidelines, 2015. Collection method: clinical testing. Allele origin: germline. Inheritance: Autosomal dominant inheritance.
Comment: proposed classification - variant undergoing re-assessment, contact laboratory

All of Us Research Program, National Institutes of Health
Classification: Pathogenic for Hypertrophic cardiomyopathy. Last evaluated: 2023-12-18. Review status: criteria provided, single submitter. Criteria: ACMG Guidelines, 2015. Collection method: clinical testing. Allele origin: germline. Inheritance: Autosomal dominant inheritance. Observed: 3 variant alleles, 3 heterozygotes.
Comment: The c.3742_3759dup (p.Gly1248_Cys1253dup) variant duplicates 18 nucleotides in exon 33 of the MYBPC3 gene, leading to an in-frame duplication of 6 amino acid residues in the C-terminal Ig-like domain of the MYBPC3 protein. This variant has been reported in almost twenty individuals affected with hypertrophic cardiomyopathy (HCM) (PMID: 7493025, 11499718, 20474083, 23549607, 24510615, 27532257), as well as in an individual affected with dilated cardiomyopathy (DCM) (PMID: 20474083). It has also been observed to segregate with disease in 7 related individuals from a family affected with HCM (PMID: 7493025). In vitro experimental studies suggest that this in-frame variant affects the expression and structural stability of the MYBPC3 protein (PMID: 25031304, 12202917, 29875314). This variant has not been identified in the general population according to the Genome Aggregation Database (gnomAD). Based on these evidence, the c.3742_3759dup (p.Gly1248_Cys1253dup) variant in MYBPC3 gene is interpreted as pathogenic.

This study involves interpretation of variants in research participants for the purpose of population health screening. Participant phenotype was not available at the time of variant classification. Additional details can be found in publication PMID: 35346344, PMCID: PMC8962531

GeneDx
Classification: Pathogenic. Last evaluated: 2022-03-29. Review status: criteria provided, single submitter. Criteria: GeneDx Variant Classification Process June 2021. Collection method: clinical testing. Allele origin: germline. Affected: yes.
Comment: Identified in multiple individuals with HCM in published literature, also reported as Ins18bp1163 due to alternate nomenclature (Watkins et al., 1995; Maron et al., 2001; Kapplinger et al., 2014; Walsh et al., 2017), and identified in multiple individuals referred for HCM genetic testing at GeneDx.; Not observed at significant frequency in large population cohorts (gnomAD); In-frame duplication of six amino acid residues (Gly, Gly, Ile, Tyr, Val, Cys), which is predicted to disrupt protein structure and stability (Watkins et al., 1995; Brown et al., 2002; Helms et al., 2014); Published functional study demonstrates the absence of mutant protein in septal myectomy and transplant tissue, suggesting this duplication may destabilize the protein and lead to haploinsufficiency (Helms et al., 2014; Helms et al., 2020); In-frame duplication of six amino acid residues (Gly, Gly, Ile, Tyr, Val, Cys), which is predicted to disrupt protein structure and stability (Watkins et al., 1995; Brown et al., 2002; Helms et al., 2014); This variant is associated with the following publications: (PMID: 12202917, 25714468, 24510615, 27532257, 29875314, 25031304, 7493025, 32841044, 15519027, 11499718)